The following is an entry in ClinVar:

NM_024334.3(TMEM43):c.443-3C>G

Gene: TMEM43 (transmembrane protein 43; plus strand). Cytogenetic location: 3p25.1.
Variant type: single nucleotide variant.
Coding change: c.443-3C>G on transcript NM_024334.3 (MANE Select); 3 bases into the intron before coding-DNA position 443, C replaced by G.
Molecular consequence: intron variant. On other transcripts: missense variant (1).
Genome position (GRCh38, 1-based): chr3:14,132,863, C>G. VCF-style: chr3-14132863-C-G. GRCh37 (hg19) VCF-style: chr3-14174363-C-G.
Other names: c.443C>G, p.Thr148Arg (NM_001407274.1); c.443-3C>G (NM_001407276.1, NM_001407275.1, NM_001407277.1 and 1 more transcripts); c.428-3C>G (NM_001407278.1); c.293-3C>G (NM_001407280.1); short protein forms T148R.
Identifiers: ClinVar variation 3364475 (VCV003364475.2).

ClinVar aggregate classification (germline): Uncertain significance. Review status: criteria provided, multiple submitters, no conflicts (2 of 4 stars). 2 submissions from 2 submitters: Uncertain significance (2). Last evaluated 2024-05-30.

Conditions:
Arrhythmogenic right ventricular dysplasia 5. Also called: Arrhythmogenic Right Ventricular Dysplasia/Cardiomyopathy 5; ARRHYTHMOGENIC RIGHT VENTRICULAR DYSPLASIA, FAMILIAL, 5. Identifiers: MedGen C1858379, MONDO:0011459, OMIM 604400.

gnomAD v4.1: 1 of 1,613,954 alleles (0.000062%); highest among the groups gnomAD compares: Admixed American, 0.0017%; no homozygotes.

Submissions (2):

All of Us Research Program, National Institutes of Health
Classification: Uncertain significance for Arrhythmogenic right ventricular dysplasia 5. Last evaluated: 2024-05-30. Review status: criteria provided, single submitter. Criteria: ACMG Guidelines, 2015. Collection method: clinical testing. Allele origin: germline. Inheritance: Autosomal dominant inheritance. Observed: 1 variant allele, 1 heterozygote.
Comment: This variant causes a C to G nucleotide substitution at the -3 position of intron 5/11 of the TMEM43 gene. Splice site prediction tools predict that this variant may have a significant impact on RNA splicing. To our knowledge, RNA studies have not been reported for this variant. This variant has not been reported in individuals affected with TMEM43-related disorders in the literature. This variant has been identified in 1/251460 chromosomes in the general population by the Genome Aggregation Database (gnomAD). The available evidence is insufficient to determine the role of this variant in disease conclusively. Therefore, this variant is classified as a Variant of Uncertain Significance.

This study involves interpretation of variants in research participants for the purpose of population health screening. Participant phenotype was not available at the time of variant classification. Additional details can be found in publication PMID: 35346344, PMCID: PMC8962531

GeneDx
Classification: Uncertain significance. Last evaluated: 2023-11-16. Review status: criteria provided, single submitter. Criteria: GeneDx Variant Classification Process June 2021. Collection method: clinical testing. Allele origin: germline. Affected: yes.
Comment: Not observed at significant frequency in large population cohorts (gnomAD); In silico analysis supports a deleterious effect on splicing; Has not been previously published as pathogenic or benign to our knowledge